The following is an entry in ClinVar:

NM_025114.4(CEP290):c.4600A>C (p.Thr1534Pro)

Gene: CEP290 (centrosomal protein 290; minus strand). Cytogenetic location: 12q21.32.
Variant type: single nucleotide variant.
Coding change: c.4600A>C on transcript NM_025114.4 (MANE Select); coding-DNA position 4600, A replaced by C.
Protein change: p.Thr1534Pro; replaces threonine 1534 with proline.
Molecular consequence: missense variant.
Genome position (GRCh38, 1-based): chr12:88,084,690, T>G on the plus strand (A>C on the coding strand, the complement: CEP290 is on the minus strand). VCF-style: chr12-88084690-T-G. GRCh37 (hg19) VCF-style: chr12-88478467-T-G.
Other names: short protein forms T1534P.
Identifiers: ClinVar variation 1449222 (VCV001449222.9), dbSNP rs2036443574, ClinGen allele CA385995128.

ClinVar aggregate classification (germline): Uncertain significance. Review status: criteria provided, multiple submitters, no conflicts (2 of 4 stars). 2 submissions from 2 submitters: Uncertain significance (2). Last evaluated 2024-04-26.

Conditions:
Joubert syndrome 5 (JBTS5). Identifiers: Orphanet 2318, MedGen C1857780, MONDO:0012432, OMIM 610188.
Leber congenital amaurosis 10 (LCA10). Identifiers: Orphanet 65, MedGen C1857821, MONDO:0012723, OMIM 611755.
Senior-Loken syndrome 6 (SLSN6). Identifiers: Orphanet 3156, MedGen C1857779, MONDO:0012433, OMIM 610189.
Bardet-Biedl syndrome 14 (BBS14). Identifiers: Orphanet 110, MedGen C2673874, MONDO:0014442, OMIM 615991.
Meckel syndrome, type 4 (MKS4). Also called: MECKEL-GRUBER SYNDROME, TYPE 4. Identifiers: Orphanet 564, MedGen C1970161, MONDO:0012626, OMIM 611134.
Nephronophthisis. Also called: Juvenile Nephronophthisis. Identifiers: Orphanet 655, MedGen C0687120, MONDO:0019005, HP:0000090.
Meckel-Gruber syndrome. Also called: DYSENCEPHALIA SPLANCHNOCYSTICA; GRUBER SYNDROME; Dysencephalia splachnocystica. Identifiers: Orphanet 564, MedGen C0265215, MONDO:0018921.
Joubert syndrome. Also called: CEREBELLOPARENCHYMAL DISORDER IV; JOUBERT-BOLTSHAUSER SYNDROME; Familial aplasia of the vermis. Identifiers: Orphanet 475, MedGen C5979921, MONDO:0018772.

Allele frequency attached by ClinVar (database versions not stated): TOPMed below 0.00001.

Submissions (2):

Fulgent Genetics
Classification: Uncertain significance for Joubert syndrome 5; Senior-Loken syndrome 6; Meckel syndrome, type 4; Leber congenital amaurosis 10; Bardet-Biedl syndrome 14. Last evaluated: 2024-04-26. Review status: criteria provided, single submitter. Criteria: ACMG Guidelines, 2015. Collection method: clinical testing. Allele origin: germline.

Labcorp Genetics (formerly Invitae), Labcorp
Classification: Uncertain significance for Joubert syndrome; Meckel-Gruber syndrome; Nephronophthisis. Last evaluated: 2021-05-26. Review status: criteria provided, single submitter. Criteria: Invitae Variant Classification Sherloc (09022015). Collection method: clinical testing. Allele origin: germline.
Comment: In summary, the available evidence is currently insufficient to determine the role of this variant in disease. Therefore, it has been classified as a Variant of Uncertain Significance. Algorithms developed to predict the effect of missense changes on protein structure and function are either unavailable or do not agree on the potential impact of this missense change (SIFT: "Deleterious"; PolyPhen-2: "Possibly Damaging"; Align-GVGD: "Class C0"). This variant has not been reported in the literature in individuals with CEP290-related conditions. This variant is not present in population databases (ExAC no frequency). This sequence change replaces threonine with proline at codon 1534 of the CEP290 protein (p.Thr1534Pro). The threonine residue is moderately conserved and there is a small physicochemical difference between threonine and proline.